The following is an entry in ClinVar:

ClinVar aggregate classification (germline): Uncertain significance (1 of 4 stars; one submission).

Submission:

Labcorp Genetics (formerly Invitae), Labcorp
Classification: Uncertain significance. Last evaluated: 2022-01-13. Review status: criteria provided, single submitter. Criteria: Invitae Variant Classification Sherloc (09022015). Collection method: clinical testing. Allele origin: germline.
Comment: This variant is not present in population databases (gnomAD no frequency). This sequence change replaces cysteine, which is neutral and slightly polar, with tyrosine, which is neutral and polar, at codon 1840 of the ABCA4 protein (p.Cys1840Tyr). This variant has not been reported in the literature in individuals affected with ABCA4-related conditions. ClinVar contains an entry for this variant (Variation ID: 1016377). In summary, the available evidence is currently insufficient to determine the role of this variant in disease. Therefore, it has been classified as a Variant of Uncertain Significance. Advanced modeling of protein sequence and biophysical properties (such as structural, functional, and spatial information, amino acid conservation, physicochemical variation, residue mobility, and thermodynamic stability) performed at Invitae indicates that this missense variant is expected to disrupt ABCA4 protein function.

NM_000350.3(ABCA4):c.5519G>A (p.Cys1840Tyr)

Gene: ABCA4 (ATP binding cassette subfamily A member 4; minus strand). Cytogenetic location: 1p22.1.
Variant type: single nucleotide variant.
Coding change: c.5519G>A on transcript NM_000350.3 (MANE Select); coding-DNA position 5519, G replaced by A.
Protein change: p.Cys1840Tyr; replaces cysteine 1840 with tyrosine.
Molecular consequence: missense variant.
Genome position (GRCh38, 1-based): chr1:94,011,327, C>T on the plus strand (G>A on the coding strand, the complement: ABCA4 is on the minus strand). VCF-style: chr1-94011327-C-T. GRCh37 (hg19) VCF-style: chr1-94476883-C-T.
Other names: c.5297G>A, p.Cys1766Tyr (NM_001425324.1); short protein forms C1840Y, C1766Y.
Identifiers: ClinVar variation 1016377 (VCV001016377.8), dbSNP rs946348819, ClinGen allele CA341281092.